The following is an entry in ClinVar:

ClinVar aggregate classification (germline): Pathogenic/Likely pathogenic. Review status: criteria provided, multiple submitters, no conflicts (2 of 4 stars). 8 submissions from 8 submitters: Pathogenic (3); Likely pathogenic (3). 2 of the submissions do not count toward it. Last evaluated 2026-03-04.

Conditions:
SIX1-related disorder. Also called: SIX1-related condition.
Autosomal dominant nonsyndromic hearing loss 23. Identifiers: Orphanet 90635, MedGen C1854594, MONDO:0011519, OMIM 605192.
Branchiootic syndrome 3 (BOS3). Also called: BO SYNDROME 3. Identifiers: MedGen C1842124, MONDO:0012025, OMIM 608389.

Submissions (8):

GeneDx
Classification: Pathogenic. Last evaluated: 2026-03-04. Review status: criteria provided, single submitter. Criteria: GeneDx Variant Classification Process June 2021. Collection method: clinical testing. Allele origin: germline.
Comment: In silico analysis supports that this missense variant has a deleterious effect on protein structure/function; Not observed at significant frequency in large population cohorts (gnomAD); This variant is associated with the following publications: (PMID: 37479820, 21700001, 39843441)

Department of Human Genetics, Hannover Medical School
Classification: Likely pathogenic for Autosomal dominant nonsyndromic hearing loss 23. Last evaluated: 2024-08-22. Review status: criteria provided, single submitter. Criteria: ACMG Guidelines, 2015. Collection method: clinical testing. Allele origin: germline. Affected: yes.

Labcorp Genetics (formerly Invitae), Labcorp
Classification: Pathogenic for Autosomal dominant nonsyndromic hearing loss 23; Branchiootic syndrome 3. Last evaluated: 2024-05-20. Review status: criteria provided, single submitter. Criteria: Invitae Variant Classification Sherloc (09022015). Collection method: clinical testing. Allele origin: germline.
Comment: This sequence change replaces glutamic acid, which is acidic and polar, with lysine, which is basic and polar, at codon 125 of the SIX1 protein (p.Glu125Lys). This variant is not present in population databases (gnomAD no frequency). This missense change has been observed in individual(s) with clinical features of SIX1-related conditions (PMID: 21700001, 37479820). It has also been observed to segregate with disease in related individuals. ClinVar contains an entry for this variant (Variation ID: 208361). Advanced modeling of protein sequence and biophysical properties (such as structural, functional, and spatial information, amino acid conservation, physicochemical variation, residue mobility, and thermodynamic stability) performed at Invitae indicates that this missense variant is expected to disrupt SIX1 protein function with a positive predictive value of 80%. Experimental studies have shown that this missense change affects SIX1 function (PMID: 37479820). For these reasons, this variant has been classified as Pathogenic.

Laboratory of Otorhinolaryngology, Head and Neck Surgery, Seoul National University Hospital
Classification: Likely pathogenic for Branchiootic syndrome 3. Last evaluated: 2023-05-05. Review status: criteria provided, single submitter. Criteria: ACMG AMP Guidelines. Collection method: clinical testing. Allele origin: germline. Affected: yes.

Blueprint Genetics
Classification: Pathogenic for SIX1-related disorders. Last evaluated: 2022-07-12. Review status: criteria provided, single submitter. Criteria: ACMG Guidelines, 2015. Collection method: clinical testing. Allele origin: de novo. Affected: yes. Observed: 2 variant alleles.

3billion
Classification: Likely pathogenic for Autosomal dominant nonsyndromic hearing loss 23. Last evaluated: 2022-05-22. Review status: criteria provided, single submitter. Criteria: ACMG Guidelines, 2015. Collection method: clinical testing. Allele origin: germline. Affected: yes. Observed: 1 heterozygote.
Comment: The variant is not observed in the gnomAD v2.1.1 dataset. Missense changes are a common disease-causing mechanism. In silico tool predictions suggest damaging effect of the variant on gene or gene product (REVEL: 0.79; 3Cnet: 0.98). Same nucleotide change resulting in same amino acid change has been previously reported to be associated with SIX1 related disorder (ClinVar ID: VCV000208361 / PMID: 21700001).The variant has been reported to co-segregate with the disease in at least 5 similarly affected relatives/individuals in the same family or similarly affected unrelated families (PMID: 21700001). Therefore, this variant is classified as likely pathogenic according to the recommendation of ACMG/AMP guideline.

OMIM
Classification: Pathogenic for DEAFNESS, AUTOSOMAL DOMINANT 23. Last evaluated: 2011-09-01. Review status: no assertion criteria provided. Collection method: literature only. Allele origin: germline. Not counted in ClinVar's aggregate classification.

GeneReviews
No classification provided. Condition: Branchiootic syndrome 3. Review status: no classification provided. Collection method: literature only. Allele origin: germline. Not counted in ClinVar's aggregate classification.

Literature cited by the submitters: PubMed 21700001 (cited by 4 submitters); PubMed 37479820 (cited by Labcorp Genetics (formerly Invitae), Labcorp).

NM_005982.4(SIX1):c.373G>A (p.Glu125Lys)

Gene: SIX1 (SIX homeobox 1; minus strand). Cytogenetic location: 14q23.1.
Variant type: single nucleotide variant.
Coding change: c.373G>A on transcript NM_005982.4 (MANE Select); coding-DNA position 373, G replaced by A.
Protein change: p.Glu125Lys; replaces glutamic acid 125 with lysine.
Molecular consequence: missense variant.
Genome position (GRCh38, 1-based): chr14:60,648,817, C>T on the plus strand (G>A on the coding strand, the complement: SIX1 is on the minus strand). VCF-style: chr14-60648817-C-T. GRCh37 (hg19) VCF-style: chr14-61115535-C-T.
Other names: c.373G>A (NM_005982.3); short protein forms E125K.
Identifiers: ClinVar variation 208361 (VCV000208361.16), dbSNP rs797044960, ClinGen allele CA275962.